The following is an entry in ClinVar:

NM_002474.3(MYH11):c.2552A>G (p.Glu851Gly)

Gene: MYH11 (myosin heavy chain 11; minus strand). Cytogenetic location: 16p13.11.
Variant type: single nucleotide variant.
Coding change: c.2552A>G on transcript NM_002474.3 (MANE Select); coding-DNA position 2552, A replaced by G.
Protein change: p.Glu851Gly; replaces glutamic acid 851 with glycine.
Molecular consequence: missense variant.
Genome position (GRCh38, 1-based): chr16:15,741,860, T>C on the plus strand (A>G on the coding strand, the complement: MYH11 is on the minus strand). VCF-style: chr16-15741860-T-C. GRCh37 (hg19) VCF-style: chr16-15835717-T-C.
Other names: c.2573A>G, p.Glu858Gly (NM_001040113.2, NM_001040114.2); c.2552A>G, p.Glu851Gly (NM_022844.3); short protein forms E858G, E851G.
Identifiers: ClinVar variation 5025070 (VCV005025070.1).
Genomic context (GRCh38, chr16:15,741,860, plus strand): 5'-GCCTTCTGCTGCCGCTCCTTGGTCTTCTGCAGTTCATCCTCCTTGGCCTGCATCTCCTCC[T>C]CCTGCCGTGTCACCTGCAGCAGTGGCTTCACCTGCACACACACGGTTAGCCCATCATTTG-3'
Protein context (NP_002465.1, residues 841-861): VKPLLQVTRQ[Glu851Gly]EEMQAKEDEL

ClinVar aggregate classification (germline): Uncertain significance (1 of 4 stars; one submission).

Conditions:
Familial thoracic aortic aneurysm and aortic dissection (TAAD). Also called: Thoracic aortic aneurysms and dissections. Identifiers: Orphanet 91387, MedGen C4707243, MONDO:0019625.

Submission:

Ambry Genetics
Classification: Uncertain significance for Familial thoracic aortic aneurysm and aortic dissection. Last evaluated: 2026-07-02. Review status: criteria provided, single submitter. Criteria: Ambry Variant Classification Scheme 2023. Collection method: clinical testing. Allele origin: germline.
Comment: The p.E851G variant (also known as c.2552A>G), located in coding exon 20 of the MYH11 gene, results from an A to G substitution at nucleotide position 2552. The glutamic acid at codon 851 is replaced by glycine, an amino acid with similar properties. This amino acid position is conserved. In addition, the in silico prediction for this alteration is inconclusive. Based on the available evidence, the clinical significance of this variant remains unclear.